The following is an entry in ClinVar:

ClinVar aggregate classification (germline): Uncertain significance (1 of 4 stars; one submission).

Submission:

Labcorp Genetics (formerly Invitae), Labcorp
Classification: Uncertain significance. Last evaluated: 2025-02-09. Review status: criteria provided, single submitter. Criteria: Invitae Variant Classification Sherloc (09022015). Collection method: clinical testing. Allele origin: germline.
Comment: This variant, c.1029_1034dup, results in the insertion of 2 amino acid(s) of the ARID1B protein (p.Ala349_Ala350dup), but otherwise preserves the integrity of the reading frame. The frequency data for this variant in the population databases is considered unreliable, as metrics indicate poor data quality at this position in the gnomAD database. This variant has not been reported in the literature in individuals affected with ARID1B-related conditions. ClinVar contains an entry for this variant (Variation ID: 2723011). In summary, the available evidence is currently insufficient to determine the role of this variant in disease. Therefore, it has been classified as a Variant of Uncertain Significance.

NM_001374828.1(ARID1B):c.1278_1283dup (p.Ala433_Gly434insAlaAla)

Gene: ARID1B (AT-rich interaction domain 1B; plus strand). Cytogenetic location: 6q25.3.
Variant type: Duplication.
Coding change: c.1278_1283dup on transcript NM_001374828.1 (MANE Select); coding-DNA positions 1278 to 1283, 6 bases duplicated (CGCGGC; older notation c.1278_1283dupCGCGGC).
Protein change: p.Ala433_Gly434insAlaAla.
Molecular consequence: inframe insertion. On other transcripts: inframe indel (3).
Genome position (GRCh38, 1-based): chr6:156,778,958-156,778,963, CGCGGC duplicated; duplicating any 6 consecutive bases within chr6:156,778,953-156,778,963 gives the same sequence; the c. name uses the placement nearest the transcript's 3' end. VCF-style (leftmost placement, unchanged base first): chr6-156778952-G-GGCGGCC. GRCh37 (hg19) VCF-style: chr6-157100086-G-GGCGGCC.
Other names: c.1029_1034dup, p.Ala350_Gly351insAlaAla (NM_001346813.1, NM_020732.3); c.1278_1283dup, p.Ala433_Gly434insAlaAla (NM_001371656.1, NM_001374820.1, NM_017519.3); c.855_860dup, p.Ala292_Gly293insAlaAla (NM_175863.2).
Identifiers: ClinVar variation 2723011 (VCV002723011.3), dbSNP rs1162096001, ClinGen allele CA571907207.